The following is an entry in ClinVar:

ClinVar aggregate classification (germline): Uncertain significance (1 of 4 stars; one submission).

Conditions:
Cornelia de Lange syndrome 1 (CDLS1). Also called: NIPBL-Related Cornelia de Lange Syndrome; TYPUS DEGENERATIVUS AMSTELODAMENSIS; Brachmann de Lange syndrome. Identifiers: Orphanet 199, MedGen C4551851, MONDO:0007387, OMIM 122470.

gnomAD v4.1: 1 of 1,606,072 alleles (0.000062%); highest among the groups gnomAD compares: African/African-American, 0.0013%; no homozygotes.

Submission:

Labcorp Genetics (formerly Invitae), Labcorp
Classification: Uncertain significance for Cornelia de Lange syndrome 1. Last evaluated: 2024-05-15. Review status: criteria provided, single submitter. Criteria: Invitae Variant Classification Sherloc (09022015). Collection method: clinical testing. Allele origin: germline.
Comment: This sequence change falls in intron 30 of the NIPBL gene. It does not directly change the encoded amino acid sequence of the NIPBL protein. It affects a nucleotide within the consensus splice site. This variant is present in population databases (no rsID available, gnomAD 0.01%). This variant has not been reported in the literature in individuals affected with NIPBL-related conditions. ClinVar contains an entry for this variant (Variation ID: 2167159). Variants that disrupt the consensus splice site are a relatively common cause of aberrant splicing (PMID: 17576681, 9536098). Algorithms developed to predict the effect of sequence changes on RNA splicing suggest that this variant is not likely to affect RNA splicing. In summary, the available evidence is currently insufficient to determine the role of this variant in disease. Therefore, it has been classified as a Variant of Uncertain Significance.

Literature cited by the submitters: PubMed 17576681; PubMed 9536098.

NM_133433.4(NIPBL):c.5709+4G>C

Gene: NIPBL (NIPBL cohesin loading factor; plus strand). Cytogenetic location: 5p13.2.
Variant type: single nucleotide variant.
Coding change: c.5709+4G>C on transcript NM_133433.4 (MANE Select); 4 bases into the intron after coding-DNA position 5709, G replaced by C.
Molecular consequence: intron variant.
Genome position (GRCh38, 1-based): chr5:37,024,723, G>C. VCF-style: chr5-37024723-G-C. GRCh37 (hg19) VCF-style: chr5-37024825-G-C.
Other names: c.5709+4G>C (NM_015384.5).
Identifiers: ClinVar variation 2167159 (VCV002167159.4), dbSNP rs370325589, ClinGen allele CA559016966.
Genomic context (GRCh38, chr5:37,024,723, plus strand): 5'-ATCACAGAAATGTGTGTAAAAATGATTCGCAGAGTCAATGATGAAGAGGGCATTAAGGTA[G>C]TGTTGACTGTTTTAAATTTATTTTTCATTAATGTTTAAAATAAGTTAAATGTTTATTGCA-3'